The following is an entry in ClinVar:

ClinVar aggregate classification (germline): Uncertain significance. Review status: criteria provided, multiple submitters, no conflicts (2 of 4 stars). 4 submissions from 4 submitters: Uncertain significance (4). Last evaluated 2026-02-23.

Conditions:
Hereditary cancer-predisposing syndrome. Also called: Neoplastic Syndromes, Hereditary; Hereditary Cancer Syndrome; Hereditary neoplastic syndrome; Tumor predisposition. Identifiers: Orphanet 140162, MedGen C0027672, MeSH D009386, MONDO:0015356.
Tuberous sclerosis 2 (TSC2). Identifiers: Orphanet 805, MedGen C1860707, MONDO:0013199, OMIM 613254.
Tuberous sclerosis syndrome (TSC). Also called: Tuberous Sclerosis Complex; Tuberous sclerosis. Identifiers: Orphanet 805, MedGen C0041341, MONDO:0001734.

Submissions (4):

Ambry Genetics
Classification: Uncertain significance for Hereditary cancer-predisposing syndrome. Last evaluated: 2026-02-23. Review status: criteria provided, single submitter. Criteria: Ambry Variant Classification Scheme 2023. Collection method: clinical testing. Allele origin: germline.
Comment: The p.T725I variant (also known as c.2174C>T), located in coding exon 19 of the TSC2 gene, results from a C to T substitution at nucleotide position 2174. The threonine at codon 725 is replaced by isoleucine, an amino acid with similar properties. This amino acid position is conserved. In addition, this alteration is predicted to be deleterious by in silico analysis. Based on the available evidence, the clinical significance of this variant remains unclear.

Color Diagnostics, LLC DBA Color Health
Classification: Uncertain significance for Tuberous sclerosis syndrome. Last evaluated: 2025-07-14. Review status: criteria provided, single submitter. Criteria: ACMG Guidelines, 2015. Collection method: clinical testing. Allele origin: germline.
Comment: This missense variant replaces threonine with isoleucine at codon 725 of the TSC2 protein. Computational prediction is inconclusive regarding the impact of this variant on protein structure and function. To our knowledge, functional studies have not been reported for this variant. This variant has not been reported in individuals affected with TSC2-related disorders in the literature. This variant has not been identified in the general population by the Genome Aggregation Database (gnomAD). The available evidence is insufficient to determine the role of this variant in disease conclusively. Therefore, this variant is classified as a Variant of Uncertain Significance.

Labcorp Genetics (formerly Invitae), Labcorp
Classification: Uncertain significance for Tuberous sclerosis 2. Last evaluated: 2023-11-06. Review status: criteria provided, single submitter. Criteria: Invitae Variant Classification Sherloc (09022015). Collection method: clinical testing. Allele origin: germline.
Comment: This sequence change replaces threonine, which is neutral and polar, with isoleucine, which is neutral and non-polar, at codon 725 of the TSC2 protein (p.Thr725Ile). This variant is not present in population databases (gnomAD no frequency). This variant has not been reported in the literature in individuals affected with TSC2-related conditions. ClinVar contains an entry for this variant (Variation ID: 1298645). Advanced modeling of protein sequence and biophysical properties (such as structural, functional, and spatial information, amino acid conservation, physicochemical variation, residue mobility, and thermodynamic stability) performed at Invitae indicates that this missense variant is not expected to disrupt TSC2 protein function with a negative predictive value of 95%. In summary, the available evidence is currently insufficient to determine the role of this variant in disease. Therefore, it has been classified as a Variant of Uncertain Significance.

CeGaT Center for Human Genetics Tuebingen
Classification: Uncertain significance. Last evaluated: 2021-09-01. Review status: criteria provided, single submitter. Criteria: CeGaT Center For Human Genetics Tuebingen Variant Classification Criteria Version 2. Collection method: clinical testing. Allele origin: germline. Affected: yes. Observed: 1 variant allele.

NM_000548.5(TSC2):c.2174C>T (p.Thr725Ile)

Gene: TSC2 (TSC complex subunit 2; plus strand). Cytogenetic location: 16p13.3.
Variant type: single nucleotide variant.
Coding change: c.2174C>T on transcript NM_000548.5 (MANE Select); coding-DNA position 2174, C replaced by T.
Protein change: p.Thr725Ile; replaces threonine 725 with isoleucine.
Molecular consequence: missense variant.
Genome position (GRCh38, 1-based): chr16:2,072,317, C>T. VCF-style: chr16-2072317-C-T. GRCh37 (hg19) VCF-style: chr16-2122318-C-T.
Other names: c.2174C>T, p.Thr725Ile (NM_001114382.3, NM_001363528.2, NM_001370404.1 and 3 more transcripts); c.2063C>T, p.Thr688Ile (NM_001318827.2); c.2027C>T, p.Thr676Ile (NM_001318829.2); c.1574C>T, p.Thr525Ile (NM_001318831.2); c.2207C>T, p.Thr736Ile (NM_001318832.2); c.2174C>T (NM_000548.3); short protein forms T525I, T676I, T688I, T725I, T736I.
Identifiers: ClinVar variation 1298645 (VCV001298645.40), dbSNP rs1567467623, ClinGen allele CA394274921.
Genomic context (GRCh38, chr16:2,072,317, plus strand): 5'-TGCTGAAGCTGGTTCTGGGCAGGCTGCCTGAGTCCCTGCGCTATAAAGTGCTCATCTTTA[C>T]TTCCCCTTGCAGTGTGGACCAGCTGTGCTCTGCTCTCTGCTCCATGGTACCATGGCCGGC-3'
Protein context (NP_000539.2, residues 715-735): ESLRYKVLIF[Thr725Ile]SPCSVDQLCS